The following continues an entry in ClinVar:

NM_001370466.1(NOD2):c.2641G>C (p.Gly881Arg)

Gene: NOD2. ClinVar aggregate classification (germline): Conflicting classifications of pathogenicity; association. Likely pathogenic (1); Uncertain significance (5); Benign (2); Likely benign (5).

Submissions 12 to 16 of 16:

Illumina Laboratory Services, Illumina
Classification: Likely benign for Blau syndrome. Last evaluated: 2017-04-27. Review status: criteria provided, single submitter. Criteria: ICSL Variant Classification Criteria 13 December 2019. Collection method: clinical testing. Allele origin: germline.
Comment: This variant was observed as part of a predisposition screen in an ostensibly healthy population. A literature search was performed for the gene, cDNA change, and amino acid change (where applicable). No publications were found based on this search. Allele frequency data from public databases allowed determination this variant is unlikely to cause disease. Therefore, this variant is classified as likely benign.

Genomic Diagnostic Laboratory, Division of Genomic Diagnostics, Children's Hospital of Philadelphia
Classification: Uncertain significance. Last evaluated: 2015-11-11. Review status: criteria provided, single submitter. Criteria: DGD Variant Analysis Guidelines. Collection method: clinical testing. Allele origin: unknown.

Center for Genomics, Ann and Robert H. Lurie Children's Hospital of Chicago
Classification: Uncertain significance for Blau syndrome; Inflammatory bowel disease 1; Psoriatic arthritis, susceptibility to; Yao syndrome. Review status: criteria provided, single submitter. Criteria: ACMG Guidelines, 2015. Collection method: clinical testing. Allele origin: germline.
Comment: NOD2 NM_022162.2 exon 8 p.Gly908Arg (c.2722G>C):This variant has been reported in the literature in numerous individuals with a variety of phenotypes, most often in the context of immunological related presentations such as Crohn's disease or Irritable Bowel Disease (IBD) (Hugot 2001 PMID:11385576, Cuthbert 2002 PMID:11910337, Bonen 2003 PMID:12512038, Kabesch 2003 PMID:12704363, Girardelli 2018 PMID:29248579, Hui 2018 PMID:29321258, Gonzalez-Mancera 2020 PMID:32654169). In a large meta analysis study (PMID: 19713276), Individuals carrying this variant had an increased overall risk of Crohn's disease (OR = 2.6, 95% CI 2.2-2.9). However, this variant is present in several control individuals in the literature and is present in 1.4% (997/68018) of European alleles, including 5 homozygotes in the Genome Aggregation Database. This variant is present in ClinVar (Variation ID:4692) with classifications ranging from Variant of Uncertain Significance to Likely Benign as well as at least 1 entry as a Risk Allele. Evolutionary conservation and computational predictive tools suggest that this variant may impact the protein. In vitro functional studies predict that this variant will impact the protein (Bonen 2003 PMID:12512038). However, these studies may not accurately represent in vivo biological function. In summary, data on this variant is insufficient for disease classification. Therefore, the clinical significance of this variant is uncertain but given the available data, the classification of this variant is likely most appropriate as a risk allele.

OMIM
Classification: risk factor for INFLAMMATORY BOWEL DISEASE 1 (CROHN DISEASE), SUSCEPTIBILITY TO. Last evaluated: 2002-07-01. Review status: no assertion criteria provided. Collection method: literature only. Allele origin: germline. Not counted in ClinVar's aggregate classification.

OMIM
Classification: risk factor for YAO SYNDROME, SUSCEPTIBILITY TO. Last evaluated: 2002-07-01. Review status: no assertion criteria provided. Collection method: literature only. Allele origin: germline. Not counted in ClinVar's aggregate classification.

Literature cited by the submitters: PubMed 21548950 (cited by Labcorp Genetics (formerly Invitae), Labcorp); PubMed 15024686 (cited by Labcorp Genetics (formerly Invitae), Labcorp); PubMed 18489434 (cited by Labcorp Genetics (formerly Invitae), Labcorp); PubMed 15190267 (cited by Labcorp Genetics (formerly Invitae), Labcorp); PubMed 15571588 (cited by Labcorp Genetics (formerly Invitae), Labcorp); PubMed 19713276 (cited by Labcorp Genetics (formerly Invitae), Labcorp); PubMed 12512038 (cited by Labcorp Genetics (formerly Invitae), Labcorp); PubMed 15198989 (cited by Labcorp Genetics (formerly Invitae), Labcorp); PubMed 21830272 (cited by Illumina Laboratory Services, Illumina); PubMed 12557156 (cited by Illumina Laboratory Services, Illumina); PubMed 11385576 (cited by OMIM); PubMed 11385577 (cited by OMIM); PubMed 12019468 (cited by OMIM); PubMed 26070941 (cited by OMIM).